The following is an entry in ClinVar:

NM_021008.4(DEAF1):c.1352G>C (p.Arg451Pro)

Genes: DEAF1 (DEAF1 transcription factor; minus strand), LOC126861109 (BRD4-independent group 4 enhancer GRCh37_chr11:673917-675116; plus strand). Cytogenetic location: 11p15.5.
Variant type: single nucleotide variant.
Coding change: c.1352G>C on transcript NM_021008.4 (MANE Select); coding-DNA position 1352, G replaced by C.
Protein change: p.Arg451Pro; replaces arginine 451 with proline.
Molecular consequence: missense variant.
Genome position (GRCh38, 1-based): chr11:674,687, C>G on the plus strand (G>C on the coding strand, the complement: DEAF1 is on the minus strand). VCF-style: chr11-674687-C-G. GRCh37 (hg19) VCF-style: chr11-674687-C-G.
Other names: c.1085G>C, p.Arg362Pro (NM_001293634.2); c.626G>C, p.Arg209Pro (NM_001367390.1); short protein forms R209P, R362P, R451P.
Identifiers: ClinVar variation 1973213 (VCV001973213.5), dbSNP rs757975287, ClinGen allele CA378924242.

ClinVar aggregate classification (germline): Uncertain significance (1 of 4 stars; one submission).

gnomAD v4.1: 1 of 1,614,000 alleles (0.000062%); highest among the groups gnomAD compares: African/African-American, 0.0013%; no homozygotes.

Submission:

Labcorp Genetics (formerly Invitae), Labcorp
Classification: Uncertain significance. Last evaluated: 2023-12-11. Review status: criteria provided, single submitter. Criteria: Invitae Variant Classification Sherloc (09022015). Collection method: clinical testing. Allele origin: germline.
Comment: This sequence change replaces arginine, which is basic and polar, with proline, which is neutral and non-polar, at codon 451 of the DEAF1 protein (p.Arg451Pro). This variant is not present in population databases (gnomAD no frequency). This variant has not been reported in the literature in individuals affected with DEAF1-related conditions. ClinVar contains an entry for this variant (Variation ID: 1973213). Advanced modeling of protein sequence and biophysical properties (such as structural, functional, and spatial information, amino acid conservation, physicochemical variation, residue mobility, and thermodynamic stability) has been performed at Invitae for this missense variant, however the output from this modeling did not meet the statistical confidence thresholds required to predict the impact of this variant on DEAF1 protein function. In summary, the available evidence is currently insufficient to determine the role of this variant in disease. Therefore, it has been classified as a Variant of Uncertain Significance.